The following is an entry in ClinVar:

NM_014679.5(CEP57):c.572T>A (p.Leu191His)

Gene: CEP57 (centrosomal protein 57; plus strand). Cytogenetic location: 11q21.
Variant type: single nucleotide variant.
Coding change: c.572T>A on transcript NM_014679.5 (MANE Select); coding-DNA position 572, T replaced by A.
Protein change: p.Leu191His; replaces leucine 191 with histidine.
Molecular consequence: missense variant.
Genome position (GRCh38, 1-based): chr11:95,817,854, T>A. VCF-style: chr11-95817854-T-A. GRCh37 (hg19) VCF-style: chr11-95551018-T-A.
Other names: c.545T>A, p.Leu182His (NM_001243776.2); c.572T>A, p.Leu191His (NM_001243777.2); c.491T>A, p.Leu164His (NM_001363604.2); short protein forms L191H, L164H, L182H.
Identifiers: ClinVar variation 408446 (VCV000408446.16), dbSNP rs150399616, ClinGen allele CA6239523.

ClinVar aggregate classification (germline): Uncertain significance. Review status: criteria provided, multiple submitters, no conflicts (2 of 4 stars). 6 submissions from 6 submitters: Uncertain significance (6). Last evaluated 2025-12-24.

Conditions:
Inborn genetic diseases. Identifiers: MedGen C0950123, MeSH D030342.
Mosaic variegated aneuploidy syndrome 2 (MVA2). Identifiers: Orphanet 1052, MedGen C3279843, MONDO:0013582, OMIM 614114.

Allele frequency attached by ClinVar (database versions not stated): ESP Exome Variant Server 0.00054; TOPMed 0.00058; ExAC 0.00068; gnomAD exomes 0.00074 and 0.00053; 1000 Genomes Project 0.00020; 1000 Genomes Project 30x 0.00031; gnomAD 0.00046 and 0.00048.
gnomAD v4.1: 1,129 of 1,613,964 alleles (0.07%); highest among the groups gnomAD compares: Non-Finnish European, 0.091%; 1 homozygote.

Submissions (6):

Labcorp Genetics (formerly Invitae), Labcorp
Classification: Uncertain significance for Mosaic variegated aneuploidy syndrome 2. Last evaluated: 2025-12-24. Review status: criteria provided, single submitter. Criteria: Invitae Variant Classification Sherloc (09022015). Collection method: clinical testing. Allele origin: germline.
Comment: This sequence change replaces leucine, which is neutral and non-polar, with histidine, which is basic and polar, at codon 191 of the CEP57 protein (p.Leu191His). This variant is present in population databases (rs150399616, gnomAD 0.1%), and has an allele count higher than expected for a pathogenic variant. This variant has not been reported in the literature in individuals affected with CEP57-related conditions. ClinVar contains an entry for this variant (Variation ID: 408446). Invitae Evidence Modeling of protein sequence and biophysical properties (such as structural, functional, and spatial information, amino acid conservation, physicochemical variation, residue mobility, and thermodynamic stability) indicates that this missense variant is not expected to disrupt CEP57 protein function with a negative predictive value of 80%. In summary, the available evidence is currently insufficient to determine the role of this variant in disease. Therefore, it has been classified as a Variant of Uncertain Significance.

Ambry Genetics
Classification: Uncertain significance for Inborn genetic diseases. Last evaluated: 2024-10-02. Review status: criteria provided, single submitter. Criteria: Ambry Variant Classification Scheme 2023. Collection method: clinical testing. Allele origin: germline.
Comment: The p.L191H variant (also known as c.572T>A), located in coding exon 5 of the CEP57 gene, results from a T to A substitution at nucleotide position 572. The leucine at codon 191 is replaced by histidine, an amino acid with similar properties. This amino acid position is conserved. In addition, this alteration is predicted to be tolerated by in silico analysis. Based on the available evidence, the clinical significance of this variant remains unclear.

MGZ Medical Genetics Center
Classification: Uncertain significance for Mosaic variegated aneuploidy syndrome 2. Last evaluated: 2022-05-24. Review status: criteria provided, single submitter. Criteria: ACMG Guidelines, 2015. Collection method: clinical testing. Allele origin: germline. Affected: yes. Observed: 1 variant allele.
Comment: ACMG criteria applied: PM2_SUP, BP4

Institute for Clinical Genetics, University Hospital TU Dresden, University Hospital TU Dresden
Classification: Uncertain significance. Last evaluated: 2021-11-03. Review status: criteria provided, single submitter. Criteria: ACMG Guidelines, 2015. Collection method: clinical testing. Allele origin: germline.

Department of Pathology and Laboratory Medicine, Sinai Health System
Classification: Uncertain significance for mosaic variegated aneuploidy syndrome 2. Last evaluated: 2021-07-30. Review status: criteria provided, single submitter. Criteria: ACMG Guidelines, 2015. Collection method: research. Allele origin: germline.

Fulgent Genetics
Classification: Uncertain significance for Mosaic variegated aneuploidy syndrome 2. Last evaluated: 2018-10-31. Review status: criteria provided, single submitter. Criteria: ACMG Guidelines, 2015. Collection method: clinical testing. Allele origin: unknown.